The following is an entry in ClinVar:

ClinVar aggregate classification (germline): Benign. Review status: criteria provided, multiple submitters, no conflicts (2 of 4 stars). 6 submissions from 6 submitters: Benign (6). Last evaluated 2026-02-03.

Conditions:
Koolen-de Vries syndrome (KDVS). Identifiers: Orphanet 96169, MedGen C1864871, MONDO:0012496, OMIM 610443.

Allele frequency attached by ClinVar (database versions not stated): 1000 Genomes Project 30x 0.08542; 1000 Genomes Project 0.08626; gnomAD 0.14183 and 0.14471; ExAC 0.14422; gnomAD exomes 0.14512 and 0.19413; TOPMed 0.14812; ESP Exome Variant Server 0.16369.
gnomAD v4.1: 304,544 of 1,614,026 alleles (19%); highest among the groups gnomAD compares: Non-Finnish European, 22%; 32,774 homozygotes.

Submissions (6):

Labcorp Genetics (formerly Invitae), Labcorp
Classification: Benign for Koolen-de Vries syndrome. Last evaluated: 2026-02-03. Review status: criteria provided, single submitter. Criteria: Invitae Variant Classification Sherloc (09022015). Collection method: clinical testing. Allele origin: germline.

Blueprint Genetics
Classification: Benign. Last evaluated: 2024-11-28. Review status: criteria provided, single submitter. Criteria: ACMG Guidelines, 2015. Collection method: clinical testing. Allele origin: germline.

Mayo Clinic Laboratories, Mayo Clinic
Classification: Benign. Last evaluated: 2018-06-26. Review status: criteria provided, single submitter. Criteria: ACMG Guidelines, 2015. Collection method: clinical testing. Allele origin: germline. Observed: 152 variant alleles.

Athena Diagnostics
Classification: Benign. Last evaluated: 2017-04-20. Review status: criteria provided, single submitter. Criteria: Athena Diagnostics Criteria. Collection method: clinical testing. Allele origin: germline.

GeneDx
Classification: Benign. Last evaluated: 2015-03-03. Review status: criteria provided, single submitter. Criteria: GeneDx Variant Classification Process June 2021. Collection method: clinical testing. Allele origin: germline. Affected: yes.
Comment: This variant is associated with the following publications: (PMID: 23222517)

Breakthrough Genomics
Classification: Benign. Review status: criteria provided, single submitter. Criteria: ACMG Guidelines, 2015. Collection method: not provided. Allele origin: germline. Inheritance: Autosomal dominant inheritance. Affected: yes.

NM_015443.4(KANSL1):c.2152T>C (p.Ser718Pro)

Gene: KANSL1 (KAT8 regulatory NSL complex subunit 1). Cytogenetic location: 17q21.31.
Variant type: single nucleotide variant.
Coding change: c.2152T>C on transcript NM_015443.4 (MANE Select); coding-DNA position 2152, T replaced by C.
Protein change: p.Ser718Pro; replaces serine 718 with proline.
Molecular consequence: missense variant.
Genome position (GRCh38, 1-based): chr17:46,039,753, A>G on the plus strand (T>C on the coding strand, the complement: KANSL1 is on the minus strand). VCF-style: chr17-46039753-A-G. GRCh37 (hg19) VCF-style: chr17-44117119-A-G.
Other names: p.Ser718Pro; c.2152T>C, p.Ser718Pro (NM_001193465.2, NM_001193466.2, NM_001379198.1); short protein forms S718P.
Identifiers: ClinVar variation 323774 (VCV000323774.16), dbSNP rs34043286, ClinGen allele CA8618648.